The following is an entry in ClinVar:

ClinVar aggregate classification (germline): Likely benign. Review status: criteria provided, multiple submitters, no conflicts (2 of 4 stars). 5 submissions from 5 submitters: Likely benign (5). Last evaluated 2025-11-11.

Conditions:
Catecholaminergic polymorphic ventricular tachycardia (CVPT). Also called: Catecholamine-induced polymorphic ventricular tachycardia. Identifiers: Orphanet 3286, MedGen C5574922, MONDO:0017990.
Cardiomyopathy (CMYO). Also called: Cardiomyopathies. Identifiers: Orphanet 167848, MedGen C0878544, MONDO:0004994, HP:0001638. Inheritance: Various modes of inheritance.
Cardiovascular phenotype. Identifiers: MedGen CN230736.
Catecholaminergic polymorphic ventricular tachycardia 1. Also called: VENTRICULAR TACHYCARDIA, CATECHOLAMINERGIC POLYMORPHIC, 1, WITH OR WITHOUT ATRIAL DYSFUNCTION AND/OR DILATED CARDIOMYOPATHY; RYR2-Related Catecholaminergic Polymorphic Ventricular Tachycardia; VENTRICULAR TACHYCARDIA, STRESS-INDUCED POLYMORPHIC 1. Identifiers: Orphanet 3286, MedGen C1631597, MONDO:0011484, OMIM 604772.

Allele frequency attached by ClinVar (database versions not stated): gnomAD 0.00001; gnomAD exomes 0.00002 and 0.00004; TOPMed 0.00002; ExAC 0.00004.
gnomAD v4.1: 23 of 1,612,472 alleles (0.0014%); highest among the groups gnomAD compares: Admixed American, 0.01%; no homozygotes.

Submissions (5):

Labcorp Genetics (formerly Invitae), Labcorp
Classification: Likely benign for Catecholaminergic polymorphic ventricular tachycardia 1. Last evaluated: 2025-11-11. Review status: criteria provided, single submitter. Criteria: Invitae Variant Classification Sherloc (09022015). Collection method: clinical testing. Allele origin: germline.

All of Us Research Program, National Institutes of Health
Classification: Likely benign for Catecholaminergic polymorphic ventricular tachycardia. Last evaluated: 2023-12-13. Review status: criteria provided, single submitter. Criteria: ACMG Guidelines, 2015. Collection method: clinical testing. Allele origin: germline. Inheritance: Autosomal dominant inheritance. Observed: 5 variant alleles, 5 heterozygotes.
Comment: This study involves interpretation of variants in research participants for the purpose of population health screening. Participant phenotype was not available at the time of variant classification. Additional details can be found in publication PMID: 35346344, PMCID: PMC8962531

Ambry Genetics
Classification: Likely benign for Cardiovascular phenotype. Last evaluated: 2022-08-08. Review status: criteria provided, single submitter. Criteria: Ambry Variant Classification Scheme 2023. Collection method: clinical testing. Allele origin: germline.

GeneDx
Classification: Likely benign. Last evaluated: 2020-07-30. Review status: criteria provided, single submitter. Criteria: GeneDx Variant Classification Process June 2021. Collection method: clinical testing. Allele origin: germline. Affected: yes.

Color Diagnostics, LLC DBA Color Health
Classification: Likely benign for Cardiomyopathy. Last evaluated: 2018-09-28. Review status: criteria provided, single submitter. Criteria: ACMG Guidelines, 2015. Collection method: clinical testing. Allele origin: germline.

NM_001035.3(RYR2):c.8652G>A (p.Lys2884=)

Gene: RYR2 (ryanodine receptor 2; plus strand). Cytogenetic location: 1q43.
Variant type: single nucleotide variant.
Coding change: c.8652G>A on transcript NM_001035.3 (MANE Select); coding-DNA position 8652, G replaced by A.
Protein change: p.Lys2884=; no amino-acid change (lysine 2884 retained).
Molecular consequence: synonymous variant.
Genome position (GRCh38, 1-based): chr1:237,674,157, G>A. VCF-style: chr1-237674157-G-A. GRCh37 (hg19) VCF-style: chr1-237837457-G-A.
Other names: c.8652G>A, p.Lys2884= (LRG_402t1).
Identifiers: ClinVar variation 532401 (VCV000532401.19), dbSNP rs758284122, ClinGen allele CA076418.